The following is an entry in ClinVar:

NM_033380.3(COL4A5):c.3116G>A (p.Gly1039Asp)

Gene: COL4A5 (collagen type IV alpha 5 chain; plus strand). Cytogenetic location: Xq22.3.
Variant type: single nucleotide variant.
Coding change: c.3116G>A on transcript NM_033380.3 (MANE Select); coding-DNA position 3116, G replaced by A.
Protein change: p.Gly1039Asp; replaces glycine 1039 with aspartic acid.
Molecular consequence: missense variant.
Genome position (GRCh38, 1-based): chrX:108,626,219, G>A. VCF-style: chrX-108626219-G-A. GRCh37 (hg19) VCF-style: chrX-107869449-G-A.
Other names: c.3116G>A, p.Gly1039Asp (NM_000495.5); short protein forms G1039D.
Identifiers: ClinVar variation 547093 (VCV000547093.52), dbSNP rs1556421658, ClinGen allele CA413854860.

ClinVar aggregate classification (germline): Conflicting classifications of pathogenicity. Review status: criteria provided, conflicting classifications (1 of 4 stars). 3 submissions from 3 submitters: Likely pathogenic (2); Uncertain significance (1). Last evaluated 2020-07-01.

Conditions:
X-linked Alport syndrome (ATS1). Also called: NEPHROPATHY AND DEAFNESS, X-LINKED; COL4A5-Related Nephropathy. Identifiers: Orphanet 63, Orphanet 88917, MedGen C4746986, MONDO:0010520, OMIM 301050.

Submissions (3):

Labcorp Genetics (formerly Invitae), Labcorp
Classification: Likely pathogenic. Last evaluated: 2020-07-01. Review status: criteria provided, single submitter. Criteria: Invitae Variant Classification Sherloc (09022015). Collection method: clinical testing. Allele origin: germline.
Comment: This sequence change replaces glycine with aspartic acid at codon 1039 of the COL4A5 protein (p.Gly1039Asp). The glycine residue is highly conserved and there is a moderate physicochemical difference between glycine and aspartic acid. This variant has not been reported in the literature in individuals with COL4A5-related conditions. ClinVar contains an entry for this variant (Variation ID: 547093). This variant is not present in population databases (ExAC no frequency). Glycine residues within the Gly-Xaa-Yaa repeats of the triple helix domain are required for the structure and stability of fibrillar collagens (PMID: 7695699, 8218237, 19344236). In COL4A5, missense variants at these glycine residues are significantly enriched in individuals with disease (PMID: 23720012, 27627812) compared to the general population (ExAC) In summary, the currently available evidence indicates that the variant is pathogenic, but additional data are needed to prove that conclusively. Therefore, this variant has been classified as Likely Pathogenic.

CeGaT Center for Human Genetics Tuebingen
Classification: Uncertain significance. Last evaluated: 2020-05-01. Review status: criteria provided, single submitter. Criteria: CeGaT Center For Human Genetics Tuebingen Variant Classification Criteria Version 2. Collection method: clinical testing. Allele origin: germline. Affected: yes. Observed: 2 variant alleles.

Genetics laboratory, Institute of Kidney Diseases & Research Centre Dr. H.L. Trivedi Institute Of Transplantation Sciences
Classification: Likely pathogenic for X-linked Alport syndrome. Review status: criteria provided, single submitter. Criteria: ACMG Guidelines, 2015. Collection method: clinical testing. Allele origin: germline. Inheritance: X-linked inheritance. Affected: yes. Observed: 1 variant allele, 1 heterozygote.
Comment: The COL4A5:c.3116G>A (p.Gly1039Asp) variant is classified as Likely Pathogenic according to American College of Medical Genetics and Genomics 2015 guidelines. This variant results in substitution of a highly conserved glycine residue within the collagenous domain, a critical region for triple helix formation and a known mutational hotspot in Alport syndrome. Similar pathogenic missense variants affecting glycine residues in this region have been reported. The variant is absent/rare in population databases, and multiple computational tools predict a deleterious effect on protein structure and function. Missense variants are a common mechanism of disease in COL4A5.

Literature cited by the submitters: PubMed 7695699 (cited by Labcorp Genetics (formerly Invitae), Labcorp); PubMed 8218237 (cited by Labcorp Genetics (formerly Invitae), Labcorp); PubMed 19344236 (cited by Labcorp Genetics (formerly Invitae), Labcorp); PubMed 23720012 (cited by Labcorp Genetics (formerly Invitae), Labcorp); PubMed 27627812 (cited by Labcorp Genetics (formerly Invitae), Labcorp).